The following is an entry in ClinVar:

NM_017721.5(CC2D1A):c.1187G>A (p.Arg396Gln)

Gene: CC2D1A (coiled-coil and C2 domain containing 1A; plus strand). Cytogenetic location: 19p13.12.
Variant type: single nucleotide variant.
Coding change: c.1187G>A on transcript NM_017721.5 (MANE Select); coding-DNA position 1187, G replaced by A.
Protein change: p.Arg396Gln; replaces arginine 396 with glutamine.
Molecular consequence: missense variant.
Genome position (GRCh38, 1-based): chr19:13,919,167, G>A. VCF-style: chr19-13919167-G-A. GRCh37 (hg19) VCF-style: chr19-14029980-G-A.
Other names: c.1187G>A, p.Arg396Gln (NM_001411138.1); short protein forms R396Q.
Identifiers: ClinVar variation 1743783 (VCV001743783.4), dbSNP rs1240076813, ClinGen allele CA404383950.

ClinVar aggregate classification (germline): Uncertain significance. Review status: criteria provided, multiple submitters, no conflicts (2 of 4 stars). 2 submissions from 2 submitters: Uncertain significance (2). Last evaluated 2023-11-19.

Conditions:
Inborn genetic diseases. Identifiers: MedGen C0950123, MeSH D030342.
Intellectual developmental disorder, autosomal recessive 3. Also called: Intellectual disability, autosomal recessive 3. Identifiers: Orphanet 88616, MedGen C1838023, MONDO:0012037, OMIM 608443.

Allele frequency attached by ClinVar (database versions not stated): gnomAD 0.00001; TOPMed 0.00002; gnomAD exomes below 0.00001.
gnomAD v4.1: 8 of 1,612,780 alleles (0.0005%); highest among the groups gnomAD compares: African/African-American, 0.0053%; no homozygotes.

Submissions (2):

Revvity Omics, Revvity
Classification: Uncertain significance for Intellectual developmental disorder, autosomal recessive 3. Last evaluated: 2023-11-19. Review status: criteria provided, single submitter. Criteria: ACMG Guidelines, 2015. Collection method: clinical testing. Allele origin: germline.

Ambry Genetics
Classification: Uncertain significance for Inborn genetic diseases. Last evaluated: 2019-06-28. Review status: criteria provided, single submitter. Criteria: Ambry Variant Classification Scheme 2023. Collection method: clinical testing. Allele origin: germline.
Comment: The p.R396Q variant (also known as c.1187G>A), located in coding exon 11 of the CC2D1A gene, results from a G to A substitution at nucleotide position 1187. The arginine at codon 396 is replaced by glutamine, an amino acid with highly similar properties. This amino acid position is not well conserved in available vertebrate species. In addition, this alteration is predicted to be tolerated by in silico analysis. Since supporting evidence is limited at this time, the clinical significance of this alteration remains unclear.